The following is an entry in ClinVar:

ClinVar aggregate classification (germline): Pathogenic/Likely pathogenic. Review status: criteria provided, multiple submitters, no conflicts (2 of 4 stars). 5 submissions from 5 submitters: Pathogenic (2); Likely pathogenic (3). Last evaluated 2025-03-17.

Conditions:
CEP290-related ciliopathy. Also called: CEP290 ciliopathy. Identifiers: MedGen CN305601, MONDO:0100451.
Joubert syndrome. Also called: Familial aplasia of the vermis; CEREBELLOPARENCHYMAL DISORDER IV; JOUBERT-BOLTSHAUSER SYNDROME. Identifiers: Orphanet 475, MedGen C5979921, MONDO:0018772.
Meckel-Gruber syndrome. Also called: Dysencephalia splachnocystica; DYSENCEPHALIA SPLANCHNOCYSTICA; GRUBER SYNDROME. Identifiers: Orphanet 564, MedGen C0265215, MONDO:0018921.
Nephronophthisis. Also called: Juvenile Nephronophthisis. Identifiers: Orphanet 655, MedGen C0687120, MONDO:0019005, HP:0000090.
Leber congenital amaurosis 10 (LCA10). Identifiers: Orphanet 65, MedGen C1857821, MONDO:0012723, OMIM 611755.
Meckel syndrome, type 4 (MKS4). Also called: MECKEL-GRUBER SYNDROME, TYPE 4. Identifiers: Orphanet 564, MedGen C1970161, MONDO:0012626, OMIM 611134.
Joubert syndrome 5 (JBTS5). Identifiers: Orphanet 2318, MedGen C1857780, MONDO:0012432, OMIM 610188.
Bardet-Biedl syndrome 14 (BBS14). Identifiers: Orphanet 110, MedGen C2673874, MONDO:0014442, OMIM 615991.
Senior-Loken syndrome 6 (SLSN6). Identifiers: Orphanet 3156, MedGen C1857779, MONDO:0012433, OMIM 610189.
Leber congenital amaurosis (LCA). Also called: Leber's amaurosis. Identifiers: Orphanet 65, MedGen C0339527, MeSH D057130, MONDO:0018998.

Submissions (5):

Myriad Genetics, Inc.
Classification: Pathogenic for CEP290-related ciliopathy. Last evaluated: 2025-03-17. Review status: criteria provided, single submitter. Criteria: Myriad Autosomal Dominant, Autosomal Recessive and X-Linked Classification Criteria (2023). Collection method: clinical testing. Allele origin: unknown.
Comment: NM_025114.3(CEP290):c.5235_5238delTCGG(S1745Rfs*4) is a frameshift variant classified as pathogenic in the context of CEP290-related disorders. S1745Rfs*4 has not been observed in cases with relevant disease. Relevant functional assessments of this variant are not available in the literature. S1745Rfs*4 has been observed in referenced population frequency databases. In summary, NM_025114.3(CEP290):c.5235_5238delTCGG(S1745Rfs*4) is a frameshift variant in a gene where loss of function is a known mechanism of disease and is predicted to disrupt protein function. Please note: this variant was assessed in the context of healthy population screening

Natera, Inc.
Classification: Likely pathogenic for Leber congenital amaurosis. Last evaluated: 2024-11-15. Review status: criteria provided, single submitter. Criteria: Natera Variant Classification Schema (03/2026). Collection method: clinical testing. Allele origin: germline.
Comment: The c.5235_5238delTCGG variant in CEP290 is a frameshift variant predicted to shift the reading frame beginning at codon 1745 and leads to a stop codon 4 codons downstream. This variant is expected to result in nonsense mediated decay, truncation, or a dysfunctional protein product. This variant is rare in the general population with a frequency below the threshold expected for the associated phenotype(s). Given the available evidence, this variant is classified as Likely Pathogenic.

Fulgent Genetics
Classification: Likely pathogenic for Joubert syndrome 5; Senior-Loken syndrome 6; Meckel syndrome, type 4; Leber congenital amaurosis 10; Bardet-Biedl syndrome 14. Last evaluated: 2024-03-27. Review status: criteria provided, single submitter. Criteria: ACMG Guidelines, 2015. Collection method: clinical testing. Allele origin: germline.

Labcorp Genetics (formerly Invitae), Labcorp
Classification: Pathogenic for Joubert syndrome; Meckel-Gruber syndrome; Nephronophthisis. Last evaluated: 2023-11-08. Review status: criteria provided, single submitter. Criteria: Invitae Variant Classification Sherloc (09022015). Collection method: clinical testing. Allele origin: germline.
Comment: This sequence change creates a premature translational stop signal (p.Ser1745Argfs*4) in the CEP290 gene. It is expected to result in an absent or disrupted protein product. Loss-of-function variants in CEP290 are known to be pathogenic (PMID: 16909394, 17345604, 20690115). This variant is present in population databases (rs775969711, gnomAD 0.004%). This variant has not been reported in the literature in individuals affected with CEP290-related conditions. ClinVar contains an entry for this variant (Variation ID: 1069579). For these reasons, this variant has been classified as Pathogenic.

Baylor Genetics
Classification: Likely pathogenic for Bardet-Biedl syndrome 14. Last evaluated: 2023-10-16. Review status: criteria provided, single submitter. Criteria: ACMG Guidelines, 2015. Collection method: clinical testing. Allele origin: unknown.

Literature cited by the submitters: PubMed 16909394 (cited by Labcorp Genetics (formerly Invitae), Labcorp); PubMed 17345604 (cited by Labcorp Genetics (formerly Invitae), Labcorp); PubMed 20690115 (cited by Labcorp Genetics (formerly Invitae), Labcorp).

NM_025114.4(CEP290):c.5235_5238del (p.Ser1745fs)

Gene: CEP290 (centrosomal protein 290; minus strand). Cytogenetic location: 12q21.32.
Variant type: Deletion.
Coding change: c.5235_5238del on transcript NM_025114.4 (MANE Select); coding-DNA positions 5235 to 5238, 4 bases deleted (TCGG; older notation c.5235_5238delTCGG).
Protein change: p.Ser1745fs; shifts the reading frame from serine 1745.
Molecular consequence: frameshift variant.
Genome position (GRCh38, 1-based): chr12:88,079,218-88,079,221, CCGA deleted on the plus strand (TCGG on the coding strand, the reverse complement: CEP290 is on the minus strand); deleting any 4 consecutive bases within chr12:88,079,218-88,079,222 gives the same sequence; the c. name uses the placement nearest the transcript's 3' end. VCF-style (leftmost placement, unchanged base first): chr12-88079217-CCCGA-C. GRCh37 (hg19) VCF-style: chr12-88472994-CCCGA-C.
Other names: c.5235_5238delTCGG (NM_025114.3); short protein forms S1745fs.
Identifiers: ClinVar variation 1069579 (VCV001069579.11), dbSNP rs775969711, ClinGen allele CA6711753.